The following is an entry in ClinVar:

NM_007255.3(B4GALT7):c.316G>A (p.Glu106Lys)

Gene: B4GALT7 (beta-1,4-galactosyltransferase 7; plus strand). Cytogenetic location: 5q35.3.
Variant type: single nucleotide variant.
Coding change: c.316G>A on transcript NM_007255.3 (MANE Select); coding-DNA position 316, G replaced by A.
Protein change: p.Glu106Lys; replaces glutamic acid 106 with lysine.
Molecular consequence: missense variant.
Genome position (GRCh38, 1-based): chr5:177,604,444, G>A. VCF-style: chr5-177604444-G-A. GRCh37 (hg19) VCF-style: chr5-177031445-G-A.
Other names: c.316G>A (NM_007255.2); short protein forms E106K.
Identifiers: ClinVar variation 1441170 (VCV001441170.6), dbSNP rs2127511686, ClinGen allele CA362373843.

ClinVar aggregate classification (germline): Uncertain significance. Review status: criteria provided, multiple submitters, no conflicts (2 of 4 stars). 2 submissions from 2 submitters: Uncertain significance (2). Last evaluated 2023-02-16.

Conditions:
Spondylodysplastic Ehlers-Danlos syndrome. Identifiers: Orphanet 536471, Orphanet 75496, MedGen C5680154, MONDO:0007526.
Inborn genetic diseases. Identifiers: MedGen C0950123, MeSH D030342.

Allele frequency attached by ClinVar (database versions not stated): gnomAD exomes below 0.00001.
gnomAD v4.1: 1 of 1,613,930 alleles (0.000062%); highest among the groups gnomAD compares: Non-Finnish European, 0.000085%; no homozygotes.

Submissions (2):

Ambry Genetics
Classification: Uncertain significance for Inborn genetic diseases. Last evaluated: 2023-02-16. Review status: criteria provided, single submitter. Criteria: Ambry Variant Classification Scheme 2023. Collection method: clinical testing. Allele origin: germline.

Labcorp Genetics (formerly Invitae), Labcorp
Classification: Uncertain significance for Spondylodysplastic Ehlers-Danlos syndrome. Last evaluated: 2022-01-13. Review status: criteria provided, single submitter. Criteria: Invitae Variant Classification Sherloc (09022015). Collection method: clinical testing. Allele origin: germline.
Comment: This sequence change replaces glutamic acid, which is acidic and polar, with lysine, which is basic and polar, at codon 106 of the B4GALT7 protein (p.Glu106Lys). This variant is not present in population databases (gnomAD no frequency). This variant has not been reported in the literature in individuals affected with B4GALT7-related conditions. Algorithms developed to predict the effect of missense changes on protein structure and function are either unavailable or do not agree on the potential impact of this missense change (SIFT: "Deleterious"; PolyPhen-2: "Probably Damaging"; Align-GVGD: "Class C0"). In summary, the available evidence is currently insufficient to determine the role of this variant in disease. Therefore, it has been classified as a Variant of Uncertain Significance.